The following is an entry in ClinVar:

NM_014956.5(CEP164):c.1930C>T (p.Leu644Phe)

Gene: CEP164 (centrosomal protein 164; plus strand). Cytogenetic location: 11q23.3.
Variant type: single nucleotide variant.
Coding change: c.1930C>T on transcript NM_014956.5 (MANE Select); coding-DNA position 1930, C replaced by T.
Protein change: p.Leu644Phe; replaces leucine 644 with phenylalanine.
Molecular consequence: missense variant.
Genome position (GRCh38, 1-based): chr11:117,387,408, C>T. VCF-style: chr11-117387408-C-T. GRCh37 (hg19) VCF-style: chr11-117258124-C-T.
Other names: c.1930C>T (NM_014956.4); c.1939C>T, p.Leu647Phe (NM_001271933.2); short protein forms L644F, L647F.
Identifiers: ClinVar variation 1373324 (VCV001373324.7), dbSNP rs1445485693, ClinGen allele CA382719236.

ClinVar aggregate classification (germline): Uncertain significance. Review status: criteria provided, multiple submitters, no conflicts (2 of 4 stars). 3 submissions from 3 submitters: Uncertain significance (3). Last evaluated 2025-12-03.

Conditions:
Inborn genetic diseases. Identifiers: MedGen C0950123, MeSH D030342.
Nephronophthisis 15 (NPHP15). Identifiers: Orphanet 3156, MedGen C3541853, MONDO:0013917, OMIM 614845.

Allele frequency attached by ClinVar (database versions not stated): gnomAD 0.00001; TOPMed 0.00002.
gnomAD v4.1: 18 of 1,613,942 alleles (0.0011%); highest among the groups gnomAD compares: Non-Finnish European, 0.0014%; no homozygotes.

Submissions (3):

Ambry Genetics
Classification: Uncertain significance for Inborn genetic diseases. Last evaluated: 2025-12-03. Review status: criteria provided, single submitter. Criteria: Ambry Variant Classification Scheme 2023. Collection method: clinical testing. Allele origin: germline.

Fulgent Genetics
Classification: Uncertain significance for Nephronophthisis 15. Last evaluated: 2024-04-27. Review status: criteria provided, single submitter. Criteria: ACMG Guidelines, 2015. Collection method: clinical testing. Allele origin: germline.

Labcorp Genetics (formerly Invitae), Labcorp
Classification: Uncertain significance for Nephronophthisis 15. Last evaluated: 2022-07-23. Review status: criteria provided, single submitter. Criteria: Invitae Variant Classification Sherloc (09022015). Collection method: clinical testing. Allele origin: germline.
Comment: This sequence change replaces leucine, which is neutral and non-polar, with phenylalanine, which is neutral and non-polar, at codon 644 of the CEP164 protein (p.Leu644Phe). This variant is present in population databases (no rsID available, gnomAD 0.007%). This variant has not been reported in the literature in individuals affected with CEP164-related conditions. ClinVar contains an entry for this variant (Variation ID: 1373324). Algorithms developed to predict the effect of missense changes on protein structure and function are either unavailable or do not agree on the potential impact of this missense change (SIFT: "Deleterious"; PolyPhen-2: "Probably Damaging"; Align-GVGD: "Class C15"). In summary, the available evidence is currently insufficient to determine the role of this variant in disease. Therefore, it has been classified as a Variant of Uncertain Significance.